The following is an entry in ClinVar:

NM_021098.3(CACNA1H):c.6049-11C>A

Gene: CACNA1H (calcium voltage-gated channel subunit alpha1 H; plus strand). Cytogenetic location: 16p13.3.
Variant type: single nucleotide variant.
Coding change: c.6049-11C>A on transcript NM_021098.3 (MANE Select); 11 bases into the intron before coding-DNA position 6049, C replaced by A.
Molecular consequence: intron variant.
Genome position (GRCh38, 1-based): chr16:1,219,970, C>A. VCF-style: chr16-1219970-C-A. GRCh37 (hg19) VCF-style: chr16-1269970-C-A.
Other names: c.6031-11C>A (NM_001005407.2).
Identifiers: ClinVar variation 3578409 (VCV003578409.2).

ClinVar aggregate classification (germline): Uncertain significance. Review status: criteria provided, multiple submitters, no conflicts (2 of 4 stars). 2 submissions from 2 submitters: Uncertain significance (2). Last evaluated 2025-09-06.

Conditions:
Idiopathic generalized epilepsy. Also called: Generalised epilepsy; EIG. Identifiers: MedGen C0270850, MONDO:0005579, OMIM 600669.
Hyperaldosteronism, familial, type IV (HALD4). Also called: FH IV; ALDOSTERONISM, PRIMARY, AND HYPERTENSION. Identifiers: Orphanet 642671, MedGen C4310756, MONDO:0014875, OMIM 617027.
Epilepsy, childhood absence, susceptibility to, 6. Identifiers: Orphanet 64280, MedGen C2749872, MONDO:0012763, OMIM 611942.

Submissions (2):

Labcorp Genetics (formerly Invitae), Labcorp
Classification: Uncertain significance for Idiopathic generalized epilepsy; Hyperaldosteronism, familial, type IV. Last evaluated: 2025-09-06. Review status: criteria provided, single submitter. Criteria: Invitae Variant Classification Sherloc (09022015). Collection method: clinical testing. Allele origin: germline.
Comment: This sequence change falls in intron 34 of the CACNA1H gene. It does not directly change the encoded amino acid sequence of the CACNA1H protein. This variant is not present in population databases (gnomAD no frequency). This variant has not been reported in the literature in individuals affected with CACNA1H-related conditions. ClinVar contains an entry for this variant (Variation ID: 3578409). Algorithms developed to predict the effect of sequence changes on RNA splicing suggest that this variant may disrupt the consensus splice site. In summary, the available evidence is currently insufficient to determine the role of this variant in disease. Therefore, it has been classified as a Variant of Uncertain Significance.

Fulgent Genetics
Classification: Uncertain significance for Epilepsy, childhood absence, susceptibility to, 6; Hyperaldosteronism, familial, type IV. Last evaluated: 2024-02-13. Review status: criteria provided, single submitter. Criteria: ACMG Guidelines, 2015. Collection method: clinical testing. Allele origin: germline.